The following is an entry in ClinVar:

ClinVar aggregate classification (germline): Uncertain significance (1 of 4 stars; one submission).

Conditions:
Candidiasis, familial, 9 (CANDF9). Identifiers: Orphanet 1334, MedGen C4225324, MONDO:0014642, OMIM 616445.

Allele frequency attached by ClinVar (database versions not stated): gnomAD 0.00001; gnomAD exomes 0.00001 and 0.00003; TOPMed 0.00002; ExAC 0.00004.
gnomAD v4.1: 10 of 1,608,738 alleles (0.00062%); highest among the groups gnomAD compares: East Asian, 0.0022%; no homozygotes.

Submission:

Labcorp Genetics (formerly Invitae), Labcorp
Classification: Uncertain significance for Candidiasis, familial, 9. Last evaluated: 2022-09-27. Review status: criteria provided, single submitter. Criteria: Invitae Variant Classification Sherloc (09022015). Collection method: clinical testing. Allele origin: germline.
Comment: Algorithms developed to predict the effect of missense changes on protein structure and function output the following: SIFT: "Tolerated"; PolyPhen-2: "Benign"; Align-GVGD: "Class C0". The asparagine amino acid residue is found in multiple mammalian species, which suggests that this missense change does not adversely affect protein function. In summary, the available evidence is currently insufficient to determine the role of this variant in disease. Therefore, it has been classified as a Variant of Uncertain Significance. This variant is present in population databases (rs753024971, gnomAD 0.006%). This variant has not been reported in the literature in individuals affected with IL17RC-related conditions. ClinVar contains an entry for this variant (Variation ID: 958002). This sequence change replaces aspartic acid, which is acidic and polar, with asparagine, which is neutral and polar, at codon 150 of the IL17RC protein (p.Asp150Asn).

NM_153460.4(IL17RC):c.235G>A (p.Asp79Asn)

Gene: IL17RC (interleukin 17 receptor C; plus strand). Cytogenetic location: 3p25.3.
Variant type: single nucleotide variant.
Coding change: c.235G>A on transcript NM_153460.4 (MANE Select); coding-DNA position 235, G replaced by A.
Protein change: p.Asp79Asn; replaces aspartic acid 79 with asparagine.
Molecular consequence: missense variant. On other transcripts: non-coding transcript variant (1).
Genome position (GRCh38, 1-based): chr3:9,918,030, G>A. VCF-style: chr3-9918030-G-A. GRCh37 (hg19) VCF-style: chr3-9959714-G-A.
Other names: c.235G>A, p.Asp79Asn (NM_001203263.2, NM_001203264.2, NM_001203265.2 and 4 more transcripts); c.448G>A, p.Asp150Asn (NM_153461.4); short protein forms D150N, D79N.
Identifiers: ClinVar variation 958002 (VCV000958002.6), dbSNP rs753024971, ClinGen allele CA2246775.